The following is an entry in ClinVar:

ClinVar aggregate classification (germline): Uncertain significance. Review status: criteria provided, multiple submitters, no conflicts (2 of 4 stars). 2 submissions from 2 submitters: Uncertain significance (2). Last evaluated 2024-11-15.

Conditions:
Inborn genetic diseases. Identifiers: MedGen C0950123, MeSH D030342.
Congenital myasthenic syndrome 8. Also called: Myasthenic syndrome, congenital, 8, with pre- and postsynaptic defects; MYASTHENIC SYNDROME, CONGENITAL, DUE TO AGRIN DEFICIENCY. Identifiers: Orphanet 590, MedGen C3808739, MONDO:0014052, OMIM 615120.

Allele frequency attached by ClinVar (database versions not stated): gnomAD 0.00002; TOPMed 0.00003.
gnomAD v4.1: 16 of 1,583,780 alleles (0.001%); highest among the groups gnomAD compares: Non-Finnish European, 0.0013%; no homozygotes.

Submissions (2):

Ambry Genetics
Classification: Uncertain significance for Inborn genetic diseases. Last evaluated: 2024-11-15. Review status: criteria provided, single submitter. Criteria: Ambry Variant Classification Scheme 2023. Collection method: clinical testing. Allele origin: germline.

Labcorp Genetics (formerly Invitae), Labcorp
Classification: Uncertain significance for Congenital myasthenic syndrome 8. Last evaluated: 2022-02-14. Review status: criteria provided, single submitter. Criteria: Invitae Variant Classification Sherloc (09022015). Collection method: clinical testing. Allele origin: germline.
Comment: This sequence change replaces glutamic acid, which is acidic and polar, with aspartic acid, which is acidic and polar, at codon 1086 of the AGRN protein (p.Glu1086Asp). The frequency data for this variant in the population databases is considered unreliable, as metrics indicate poor data quality at this position in the gnomAD database. This variant has not been reported in the literature in individuals affected with AGRN-related conditions. Algorithms developed to predict the effect of missense changes on protein structure and function (SIFT, PolyPhen-2, Align-GVGD) all suggest that this variant is likely to be tolerated. In summary, the available evidence is currently insufficient to determine the role of this variant in disease. Therefore, it has been classified as a Variant of Uncertain Significance.

NM_198576.4(AGRN):c.3258G>T (p.Glu1086Asp)

Gene: AGRN (agrin; plus strand). Cytogenetic location: 1p36.33.
Variant type: single nucleotide variant.
Coding change: c.3258G>T on transcript NM_198576.4 (MANE Select); coding-DNA position 3258, G replaced by T.
Protein change: p.Glu1086Asp; replaces glutamic acid 1086 with aspartic acid.
Molecular consequence: missense variant.
Genome position (GRCh38, 1-based): chr1:1,046,827, G>T. VCF-style: chr1-1046827-G-T. GRCh37 (hg19) VCF-style: chr1-982207-G-T.
Other names: c.3258G>T, p.Glu1086Asp (NM_001305275.2); c.2943G>T, p.Glu981Asp (NM_001364727.2); c.3258G>T (NM_198576.3); short protein forms E981D, E1086D.
Identifiers: ClinVar variation 2182809 (VCV002182809.2), dbSNP rs1265675442, ClinGen allele CA337848108.
Genomic context (GRCh38, chr1:1,046,827, plus strand): 5'-GGCAGGCGCCGAGAGGCTCCACCAGAGCCTGGGCTCAGAGCGCGTCTCCCCAGGGCTCGA[G>T]CCCTTGGAGGGCAGCAGCGTGGCCACCCCTGGGCCACCTGTCGAGAGGGCTTCCTGCTAC-3'
Protein context (NP_940978.2, residues 1076-1096): EASGGGSGGL[Glu1086Asp]PLEGSSVATP